The following is an entry in ClinVar:

NM_005529.7(HSPG2):c.5816C>A (p.Ala1939Asp)

Gene: HSPG2 (heparan sulfate proteoglycan 2; minus strand). Cytogenetic location: 1p36.12.
Variant type: single nucleotide variant.
Coding change: c.5816C>A on transcript NM_005529.7 (MANE Select); coding-DNA position 5816, C replaced by A.
Protein change: p.Ala1939Asp; replaces alanine 1939 with aspartic acid.
Molecular consequence: missense variant.
Genome position (GRCh38, 1-based): chr1:21,855,561, G>T on the plus strand (C>A on the coding strand, the complement: HSPG2 is on the minus strand). VCF-style: chr1-21855561-G-T. GRCh37 (hg19) VCF-style: chr1-22182054-G-T.
Other names: c.5819C>A, p.Ala1940Asp (NM_001291860.2); short protein forms A1939D, A1940D.
Identifiers: ClinVar variation 4772910 (VCV004772910.1).
Genomic context (GRCh38, chr1:21,855,561, plus strand): 5'-CACCCTGAGCCCGGCCTCTCACCATGCACGTGGAGCACAGCCCTGGCCACCTGCTGCCCA[G>T]CGCTGCTGTGGGCTCGGCACAAGTACTGGGCCTGATCCGTGGGCTCGACAGCTGGCAGGC-3'
Protein context (NP_005520.4, residues 1929-1949): AQYLCRAHSS[Ala1939Asp]GQQVARAVLH

ClinVar aggregate classification (germline): Uncertain significance (1 of 4 stars; one submission).

gnomAD v4.1: 5 of 1,602,230 alleles (0.00031%); highest among the groups gnomAD compares: Non-Finnish European, 0.00034%; no homozygotes.

Submission:

Labcorp Genetics (formerly Invitae), Labcorp
Classification: Uncertain significance. Last evaluated: 2025-04-21. Review status: criteria provided, single submitter. Criteria: Invitae Variant Classification Sherloc (09022015). Collection method: clinical testing. Allele origin: germline.
Comment: This sequence change replaces alanine, which is neutral and non-polar, with aspartic acid, which is acidic and polar, at codon 1939 of the HSPG2 protein (p.Ala1939Asp). This variant is not present in population databases (gnomAD no frequency). This variant has not been reported in the literature in individuals affected with HSPG2-related conditions. An algorithm developed to predict the effect of missense changes on protein structure and function (PolyPhen-2) suggests that this variant is likely to be disruptive. In summary, the available evidence is currently insufficient to determine the role of this variant in disease. Therefore, it has been classified as a Variant of Uncertain Significance.